The following is an entry in ClinVar:

ClinVar aggregate classification (germline): Uncertain significance. Review status: criteria provided, multiple submitters, no conflicts (2 of 4 stars). 2 submissions from 2 submitters: Uncertain significance (2). Last evaluated 2025-10-22.

Conditions:
Inborn genetic diseases. Identifiers: MedGen C0950123, MeSH D030342.
Fetal akinesia deformation sequence 1 (FADS1). Also called: Pena-Shokeir syndrome type I; Fetal akinesia sequence. Identifiers: Orphanet 994, MedGen C1276035, MONDO:0100101, OMIM 208150, HP:0001989.
Congenital myasthenic syndrome 10. Also called: Myasthenia, limb-girdle, familial. Identifiers: Orphanet 590, MedGen C1850792, MONDO:0009690, OMIM 254300.

Allele frequency attached by ClinVar (database versions not stated): gnomAD exomes 0.00001.

Submissions (2):

Ambry Genetics
Classification: Uncertain significance for Inborn genetic diseases. Last evaluated: 2025-10-22. Review status: criteria provided, single submitter. Criteria: Ambry Variant Classification Scheme 2023. Collection method: clinical testing. Allele origin: germline.

Labcorp Genetics (formerly Invitae), Labcorp
Classification: Uncertain significance for Congenital myasthenic syndrome 10; Fetal akinesia deformation sequence 1. Last evaluated: 2021-08-24. Review status: criteria provided, single submitter. Criteria: Invitae Variant Classification Sherloc (09022015). Collection method: clinical testing. Allele origin: germline.
Comment: This sequence change replaces alanine with proline at codon 187 of the DOK7 protein (p.Ala187Pro). The alanine residue is highly conserved and there is a small physicochemical difference between alanine and proline. This variant is not present in population databases (ExAC no frequency). This variant has not been reported in the literature in individuals affected with DOK7-related conditions. Algorithms developed to predict the effect of missense changes on protein structure and function are either unavailable or do not agree on the potential impact of this missense change (SIFT: "Deleterious"; PolyPhen-2: "Probably Damaging"; Align-GVGD: "Class C0"). In summary, the available evidence is currently insufficient to determine the role of this variant in disease. Therefore, it has been classified as a Variant of Uncertain Significance.

NM_173660.5(DOK7):c.559G>C (p.Ala187Pro)

Genes: DOK7 (docking protein 7; plus strand), LOC126806951 (CDK7 strongly-dependent group 2 enhancer GRCh37_chr4:3486115-3487314; plus strand). Cytogenetic location: 4p16.3.
Variant type: single nucleotide variant.
Coding change: c.559G>C on transcript NM_173660.5 (MANE Select); coding-DNA position 559, G replaced by C.
Protein change: p.Ala187Pro; replaces alanine 187 with proline.
Molecular consequence: missense variant. On other transcripts: 5 prime UTR variant (1).
Genome position (GRCh38, 1-based): chr4:3,485,565, G>C. VCF-style: chr4-3485565-G-C. GRCh37 (hg19) VCF-style: chr4-3487292-G-C.
Other names: c.548G>C, p.Gly183Ala (NM_001164673.2); c.-372G>C (NM_001256896.2); c.559G>C, p.Ala187Pro (NM_001301071.2); c.127G>C, p.Ala43Pro (NM_001363811.2); c.559G>C (NM_173660.4); short protein forms A187P, A43P, G183A.
Identifiers: ClinVar variation 1394440 (VCV001394440.6), dbSNP rs1220205278, ClinGen allele CA356114928.